The following is an entry in ClinVar:

ClinVar aggregate classification (germline): Uncertain significance. Review status: criteria provided, multiple submitters, no conflicts (2 of 4 stars). 2 submissions from 2 submitters: Uncertain significance (2). Last evaluated 2025-05-04.

Conditions:
Inborn genetic diseases. Identifiers: MedGen C0950123, MeSH D030342.

Allele frequency attached by ClinVar (database versions not stated): gnomAD exomes below 0.00001; ExAC 0.00002; TOPMed 0.00004; gnomAD 0.00007.
gnomAD v4.1: 21 of 1,613,862 alleles (0.0013%); highest among the groups gnomAD compares: African/African-American, 0.02%; no homozygotes.

Submissions (2):

Ambry Genetics
Classification: Uncertain significance for Inborn genetic diseases. Last evaluated: 2025-05-04. Review status: criteria provided, single submitter. Criteria: Ambry Variant Classification Scheme 2023. Collection method: clinical testing. Allele origin: germline.

Labcorp Genetics (formerly Invitae), Labcorp
Classification: Uncertain significance. Last evaluated: 2024-08-29. Review status: criteria provided, single submitter. Criteria: Invitae Variant Classification Sherloc (09022015). Collection method: clinical testing. Allele origin: germline.
Comment: This sequence change replaces glutamic acid, which is acidic and polar, with aspartic acid, which is acidic and polar, at codon 187 of the TARS2 protein (p.Glu187Asp). This variant is present in population databases (rs111335458, gnomAD 0.03%). This variant has not been reported in the literature in individuals affected with TARS2-related conditions. ClinVar contains an entry for this variant (Variation ID: 1896387). Invitae Evidence Modeling of protein sequence and biophysical properties (such as structural, functional, and spatial information, amino acid conservation, physicochemical variation, residue mobility, and thermodynamic stability) indicates that this missense variant is not expected to disrupt TARS2 protein function with a negative predictive value of 80%. In summary, the available evidence is currently insufficient to determine the role of this variant in disease. Therefore, it has been classified as a Variant of Uncertain Significance.

NM_025150.5(TARS2):c.561A>C (p.Glu187Asp)

Gene: TARS2 (threonyl-tRNA synthetase 2, mitochondrial; plus strand). Cytogenetic location: 1q21.2.
Variant type: single nucleotide variant.
Coding change: c.561A>C on transcript NM_025150.5 (MANE Select); coding-DNA position 561, A replaced by C.
Protein change: p.Glu187Asp; replaces glutamic acid 187 with aspartic acid.
Molecular consequence: missense variant. On other transcripts: non-coding transcript variant (1).
Genome position (GRCh38, 1-based): chr1:150,491,442, A>C. VCF-style: chr1-150491442-A-C. GRCh37 (hg19) VCF-style: chr1-150463918-A-C.
Other names: c.561A>C, p.Glu187Asp (NM_001271896.2, NM_001271895.2); c.561A>C (NM_025150.3); short protein forms E187D.
Identifiers: ClinVar variation 1896387 (VCV001896387.6), dbSNP rs111335458, ClinGen allele CA1076722.